The following is an entry in ClinVar:

ClinVar aggregate classification (germline): Uncertain significance (1 of 4 stars; one submission).

Conditions:
Dilated cardiomyopathy 1AA (CMD1AA). Also called: CARDIOMYOPATHY, DILATED, 1AA, WITH OR WITHOUT LEFT VENTRICULAR NONCOMPACTION; CARDIOMYOPATHY, FAMILIAL HYPERTROPHIC, 23, WITH OR WITHOUT LEFT VENTRICULAR NONCOMPACTION; Cardiomyopathy, dilated, 1AA, with or without LVNC. Identifiers: Orphanet 154, MedGen C2677338, MONDO:0012808, OMIM 612158.
Primary familial hypertrophic cardiomyopathy (HCM). Identifiers: Orphanet 99739, MedGen C0949658, MeSH D024741, MONDO:0024573. Inheritance: Various modes of inheritance.

Submission:

Labcorp Genetics (formerly Invitae), Labcorp
Classification: Uncertain significance for Primary familial hypertrophic cardiomyopathy; Dilated cardiomyopathy 1AA. Last evaluated: 2022-06-26. Review status: criteria provided, single submitter. Criteria: Invitae Variant Classification Sherloc (09022015). Collection method: clinical testing. Allele origin: germline.
Comment: This variant has not been reported in the literature in individuals affected with ACTN2-related conditions. In summary, the available evidence is currently insufficient to determine the role of this variant in disease. Therefore, it has been classified as a Variant of Uncertain Significance. Advanced modeling of protein sequence and biophysical properties (such as structural, functional, and spatial information, amino acid conservation, physicochemical variation, residue mobility, and thermodynamic stability) performed at Invitae indicates that this missense variant is not expected to disrupt ACTN2 protein function. This variant is not present in population databases (gnomAD no frequency). This sequence change replaces tyrosine, which is neutral and polar, with cysteine, which is neutral and slightly polar, at codon 19 of the ACTN2 protein (p.Tyr19Cys).

NM_001103.4(ACTN2):c.56A>G (p.Tyr19Cys)

Gene: ACTN2 (actinin alpha 2; plus strand). Cytogenetic location: 1q43.
Variant type: single nucleotide variant.
Coding change: c.56A>G on transcript NM_001103.4 (MANE Select); coding-DNA position 56, A replaced by G.
Protein change: p.Tyr19Cys; replaces tyrosine 19 with cysteine.
Molecular consequence: missense variant. On other transcripts: 5 prime UTR variant (1).
Genome position (GRCh38, 1-based): chr1:236,686,729, A>G. VCF-style: chr1-236686729-A-G. GRCh37 (hg19) VCF-style: chr1-236850029-A-G.
Other names: c.56A>G, p.Tyr19Cys (NM_001278343.2); c.-766A>G (NM_001278344.2); c.-891A>G (NM_001412150.1); short protein forms Y19C.
Identifiers: ClinVar variation 2010920 (VCV002010920.4), dbSNP rs2527438206, ClinGen allele CA345358235.